The following is an entry in ClinVar:

NM_001009944.3(PKD1):c.11294_11313del (p.Pro3765fs)

Genes: PKD1 (polycystin 1, transient receptor potential channel interacting; minus strand), PKD1-AS1 (PKD1 antisense RNA 1; plus strand). Cytogenetic location: 16p13.3.
Variant type: Deletion.
Coding change: c.11294_11313del on transcript NM_001009944.3 (MANE Select); coding-DNA positions 11294 to 11313, 20 bases deleted (CCAGGGTCCACACGTGCTCG).
Protein change: p.Pro3765fs; shifts the reading frame from proline 3765.
Molecular consequence: frameshift variant.
Genome position (GRCh38, 1-based): chr16:2,092,145-2,092,164, CGAGCACGTGTGGACCCTGG deleted on the plus strand (CCAGGGTCCACACGTGCTCG on the coding strand, the reverse complement: PKD1 is on the minus strand). VCF-style (leftmost placement, unchanged base first): chr16-2092144-CCGAGCACGTGTGGACCCTGG-C. GRCh37 (hg19) VCF-style: chr16-2142145-CCGAGCACGTGTGGACCCTGG-C.
Other names: c.11291_11310del, p.Pro3764fs (NM_000296.4); short protein forms P3764fs, P3765fs.
Identifiers: ClinVar variation 917545 (VCV000917545.2), dbSNP rs2091620612, ClinGen allele CA1139664277.

ClinVar aggregate classification (germline): Likely pathogenic (1 of 4 stars; one submission).

Conditions:
Polycystic kidney disease, adult type (PKD1). Also called: POLYCYSTIC KIDNEY DISEASE, ADULT, TYPE I; Polycystic Kidney Disease 1, Autosomal Dominant; Polycystic kidney disease 1; Polycystic kidney disease 1, severe; POLYCYSTIC KIDNEY DISEASE 1 WITH OR WITHOUT POLYCYSTIC LIVER DISEASE; Polycystic Kidney, Autosomal Dominant. Identifiers: MedGen C3149841, MONDO:0008263, OMIM 173900.

Submission:

(GEEPAD) Grupo de Estudio de la Enfermedad Poliquística Autosómica Dominante, Hospitales Universitarios Virgen de las Nieves y San Cecilio (Granada)
Classification: Likely pathogenic for Polycystic kidney disease, adult type. Last evaluated: 2020-01-21. Review status: criteria provided, single submitter. Criteria: ACMG Guidelines, 2015. Collection method: clinical testing. Allele origin: germline. Inheritance: Autosomal dominant inheritance. Affected: yes. Observed: 8 variant alleles. Clinical features observed: Renal cyst (HP:0000107).
Comment: This variant has been identified in affected patients of three unrelated families.